The following is an entry in ClinVar:

ClinVar aggregate classification (germline): Likely benign (0 of 4 stars; one submission).

Conditions:
GRHL3-related disorder. Also called: GRHL3-related condition.

Allele frequency attached by ClinVar (database versions not stated): TOPMed 0.00001; gnomAD exomes below 0.00001; ExAC 0.00008.
gnomAD v4.1: 1 of 1,546,420 alleles (0.000065%); highest among the groups gnomAD compares: Admixed American, 0.002%; no homozygotes.

Submission:

PreventionGenetics, part of Exact Sciences
Classification: Likely benign for GRHL3-related condition. Last evaluated: 2022-03-08. Review status: no assertion criteria provided. Collection method: clinical testing. Allele origin: germline.
Comment: This variant is classified as likely benign based on ACMG/AMP sequence variant interpretation guidelines (Richards et al. 2015 PMID: 25741868, with internal and published modifications).

NM_198174.3(GRHL3):c.1857G>A (p.Leu619=)

Genes: GRHL3 (grainyhead like transcription factor 3; plus strand), STPG1 (sperm tail PG-rich repeat containing 1; minus strand). Cytogenetic location: 1p36.11.
Variant type: single nucleotide variant.
Coding change: c.1857G>A on transcript NM_198174.3; coding-DNA position 1857, G replaced by A.
Protein change: p.Leu619=; no amino-acid change (leucine 619 retained).
Molecular consequence: synonymous variant. On other transcripts: intron variant (4).
Genome position (GRCh38, 1-based): chr1:24,364,347, G>A. VCF-style: chr1-24364347-G-A. GRCh37 (hg19) VCF-style: chr1-24690837-G-A.
Other names: c.738-3306C>T (NM_001199012.2, NM_001199013.2); c.597-3306C>T (NM_178122.5); c.462-3306C>T (NM_001199014.2).
Identifiers: ClinVar variation 3043950 (VCV003043950.2), dbSNP rs769150587, ClinGen allele CA690550.
Genomic context (GRCh38, chr1:24,364,347, plus strand): 5'-TGGATTTTGGAGGCAGAGGGACCTGGATTCAAATCCCAGCCCCACCACCGTCAACAGCCT[G>A]CACTTCACTGTAAACTCGGAATGACACACCCACCTGGAGGAGAGGTGGAAGGACGACGGC-3'